The following is an entry in ClinVar:

NM_005733.3(KIF20A):c.1829A>G (p.His610Arg)

Gene: KIF20A (kinesin family member 20A; plus strand). Cytogenetic location: 5q31.2.
Variant type: single nucleotide variant.
Coding change: c.1829A>G on transcript NM_005733.3 (MANE Select); coding-DNA position 1829, A replaced by G.
Protein change: p.His610Arg; replaces histidine 610 with arginine.
Molecular consequence: missense variant.
Genome position (GRCh38, 1-based): chr5:138,185,100, A>G. VCF-style: chr5-138185100-A-G. GRCh37 (hg19) VCF-style: chr5-137520789-A-G.
Other names: c.1829A>G (NM_005733.2); short protein forms H610R.
Identifiers: ClinVar variation 1359410 (VCV001359410.7), dbSNP rs770978962, ClinGen allele CA3426739.

ClinVar aggregate classification (germline): Uncertain significance. Review status: criteria provided, multiple submitters, no conflicts (2 of 4 stars). 2 submissions from 2 submitters: Uncertain significance (2). Last evaluated 2025-03-13.

Allele frequency attached by ClinVar (database versions not stated): ExAC 0.00007; TOPMed 0.00008; gnomAD exomes 0.00014 and 0.00006; gnomAD 0.00001.
gnomAD v4.1: 40 of 1,612,790 alleles (0.0025%); highest among the groups gnomAD compares: Admixed American, 0.067%; no homozygotes.

Submissions (2):

Labcorp Genetics (formerly Invitae), Labcorp
Classification: Uncertain significance. Last evaluated: 2025-03-13. Review status: criteria provided, single submitter. Criteria: Invitae Variant Classification Sherloc (09022015). Collection method: clinical testing. Allele origin: germline.
Comment: This sequence change replaces histidine, which is basic and polar, with arginine, which is basic and polar, at codon 610 of the KIF20A protein (p.His610Arg). This variant is present in population databases (rs770978962, gnomAD 0.1%), and has an allele count higher than expected for a pathogenic variant. This variant has not been reported in the literature in individuals affected with KIF20A-related conditions. ClinVar contains an entry for this variant (Variation ID: 1359410). An algorithm developed to predict the effect of missense changes on protein structure and function outputs the following: PolyPhen-2: "Benign". The arginine amino acid residue is found in multiple mammalian species, which suggests that this missense change does not adversely affect protein function. In summary, the available evidence is currently insufficient to determine the role of this variant in disease. Therefore, it has been classified as a Variant of Uncertain Significance.

Ambry Genetics
Classification: Uncertain significance. Last evaluated: 2024-07-02. Review status: criteria provided, single submitter. Criteria: Ambry Variant Classification Scheme 2023. Collection method: clinical testing. Allele origin: germline.